The following is an entry in ClinVar:

ClinVar aggregate classification (germline): Uncertain significance. Review status: criteria provided, multiple submitters, no conflicts (2 of 4 stars). 3 submissions from 3 submitters: Uncertain significance (3). Last evaluated 2025-05-23.

Conditions:
Nephrolithiasis/nephrocalcinosis. Identifiers: MedGen CN580796.
Neonatal severe primary hyperparathyroidism. Identifiers: Orphanet 417, MedGen C1832615, MONDO:0009397, OMIM 239200.
Autosomal dominant hypocalcemia 1 (HYPOC1). Also called: HYPOCALCEMIA, FAMILIAL. Identifiers: MedGen C3715128, MONDO:0011013, OMIM 601198.
Epilepsy, idiopathic generalized, susceptibility to, 8. Identifiers: MedGen C2752062, MONDO:0013032, OMIM 612899.
Familial hypocalciuric hypercalcemia 1. Also called: Hypercalcemia, familial benign type 1. Identifiers: Orphanet 405, Orphanet 93372, MedGen C0342637, MONDO:0007791, OMIM 145980.
Familial hypocalciuric hypercalcemia (FHH). Also called: Familial benign hypercalcemia. Identifiers: Orphanet 405, MedGen C1809471, MONDO:0018458.

Allele frequency attached by ClinVar (database versions not stated): gnomAD 0.00001; TOPMed 0.00001; gnomAD exomes 0.00002 and 0.00003.
gnomAD v4.1: 44 of 1,614,076 alleles (0.0027%); highest among the groups gnomAD compares: Non-Finnish European, 0.0035%; no homozygotes.

Submissions (3):

Ambry Genetics
Classification: Uncertain significance for Nephrolithiasis/nephrocalcinosis. Last evaluated: 2025-05-23. Review status: criteria provided, single submitter. Criteria: Ambry Variant Classification Scheme 2023. Collection method: clinical testing. Allele origin: germline.
Comment: The p.S380R variant (also known as c.1140T>A), located in coding exon 3 of the CASR gene, results from a T to A substitution at nucleotide position 1140. The serine at codon 380 is replaced by arginine, an amino acid with dissimilar properties. This amino acid position is poorly conserved in available vertebrate species. In addition, this alteration is predicted to be tolerated by in silico analysis. In addition, the evidence for the gene-disease relationship is limited for pancreatitis and cancer predisposition; therefore, the clinical significance of this variant for CASR-related pancreatitis and cancer predisposition is unclear. Based on the available evidence, the clinical significance of this variant remains unclear.

Labcorp Genetics (formerly Invitae), Labcorp
Classification: Uncertain significance for Familial hypocalciuric hypercalcemia; Autosomal dominant hypocalcemia 1. Last evaluated: 2025-04-13. Review status: criteria provided, single submitter. Criteria: Invitae Variant Classification Sherloc (09022015). Collection method: clinical testing. Allele origin: germline.
Comment: This sequence change replaces serine, which is neutral and polar, with arginine, which is basic and polar, at codon 380 of the CASR protein (p.Ser380Arg). This variant is present in population databases (rs145869851, gnomAD 0.003%). This variant has not been reported in the literature in individuals affected with CASR-related conditions. ClinVar contains an entry for this variant (Variation ID: 566256). An algorithm developed to predict the effect of missense changes on protein structure and function (PolyPhen-2) suggests that this variant is likely to be tolerated. In summary, the available evidence is currently insufficient to determine the role of this variant in disease. Therefore, it has been classified as a Variant of Uncertain Significance.

Fulgent Genetics
Classification: Uncertain significance for Familial hypocalciuric hypercalcemia 1; Neonatal severe primary hyperparathyroidism; Autosomal dominant hypocalcemia 1; Epilepsy, idiopathic generalized, susceptibility to, 8. Last evaluated: 2022-02-10. Review status: criteria provided, single submitter. Criteria: ACMG Guidelines, 2015. Collection method: clinical testing. Allele origin: unknown.

NM_000388.4(CASR):c.1140T>A (p.Ser380Arg)

Gene: CASR (calcium sensing receptor; plus strand). Cytogenetic location: 3q21.1.
Variant type: single nucleotide variant.
Coding change: c.1140T>A on transcript NM_000388.4 (MANE Select); coding-DNA position 1140, T replaced by A.
Protein change: p.Ser380Arg; replaces serine 380 with arginine.
Molecular consequence: missense variant.
Genome position (GRCh38, 1-based): chr3:122,262,175, T>A. VCF-style: chr3-122262175-T-A. GRCh37 (hg19) VCF-style: chr3-121981022-T-A.
Other names: c.1140T>A, p.Ser380Arg (NM_001178065.2); short protein forms S380R.
Identifiers: ClinVar variation 566256 (VCV000566256.15), dbSNP rs145869851, ClinGen allele CA82738904.